The following is an entry in ClinVar:

ClinVar aggregate classification (germline): Pathogenic (1 of 4 stars; one submission).

Conditions:
TH-deficient dopa-responsive dystonia. Also called: Tyrosine Hydroxylase-Deficient Dopa-Responsive Dystonia; Segawa syndrome, autosomal recessive; DYT-TH. Identifiers: Orphanet 101150, MedGen C2673535, MONDO:0011551, OMIM 605407.

Submission:

Labcorp Genetics (formerly Invitae), Labcorp
Classification: Pathogenic for TH-deficient dopa-responsive dystonia. Last evaluated: 2021-03-26. Review status: criteria provided, single submitter. Criteria: Invitae Variant Classification Sherloc (09022015). Collection method: clinical testing. Allele origin: germline.
Comment: For these reasons, this variant has been classified as Pathogenic. This variant has not been reported in the literature in individuals with TH-related conditions. This variant is not present in population databases (ExAC no frequency). This sequence change creates a premature translational stop signal (p.Tyr161Alafs*81) in the TH gene. It is expected to result in an absent or disrupted protein product. Loss-of-function variants in TH are known to be pathogenic (PMID: 22264700, 24753243).

Literature cited by the submitters: PubMed 22264700; PubMed 24753243.

NM_000360.4(TH):c.374_387dup (p.Tyr130fs)

Gene: TH (tyrosine hydroxylase; minus strand). Cytogenetic location: 11p15.5.
Variant type: Duplication.
Coding change: c.374_387dup on transcript NM_000360.4 (MANE Select); coding-DNA positions 374 to 387, 14 bases duplicated (GCCCCCACCTGGAG).
Protein change: p.Tyr130fs; shifts the reading frame from tyrosine 130.
Molecular consequence: frameshift variant.
Genome position (GRCh38, 1-based): chr11:2,168,591-2,168,604, CTCCAGGTGGGGGC duplicated on the plus strand (GCCCCCACCTGGAG on the coding strand, the reverse complement: TH is on the minus strand); duplicating any 14 consecutive bases within chr11:2,168,591-2,168,605 gives the same sequence; the c. name uses the placement nearest the transcript's 3' end. VCF-style (leftmost placement, unchanged base first): chr11-2168590-A-ACTCCAGGTGGGGGC. GRCh37 (hg19) VCF-style: chr11-2189820-A-ACTCCAGGTGGGGGC.
Other names: c.467_480dup, p.Tyr161fs (NM_199292.3); c.455_468dup, p.Tyr157fs (NM_199293.3); short protein forms Y157fs, Y130fs, Y161fs.
Identifiers: ClinVar variation 1452491 (VCV001452491.6), dbSNP rs2133697599, ClinGen allele CA2573146044.